The following is an entry in ClinVar:

ClinVar aggregate classification (germline): Uncertain significance (1 of 4 stars; one submission).

Allele frequency attached by ClinVar (database versions not stated): gnomAD exomes below 0.00001.
gnomAD v4.1: 3 of 1,551,510 alleles (0.00019%); highest among the groups gnomAD compares: East Asian, 0.0024%; no homozygotes.

Submission:

Labcorp Genetics (formerly Invitae), Labcorp
Classification: Uncertain significance. Last evaluated: 2023-11-04. Review status: criteria provided, single submitter. Criteria: Invitae Variant Classification Sherloc (09022015). Collection method: clinical testing. Allele origin: germline.
Comment: This sequence change replaces arginine, which is basic and polar, with cysteine, which is neutral and slightly polar, at codon 1366 of the TET2 protein (p.Arg1366Cys). This variant is not present in population databases (gnomAD no frequency). This variant has not been reported in the literature in individuals affected with TET2-related conditions. An algorithm developed to predict the effect of missense changes on protein structure and function (PolyPhen-2) suggests that this variant is likely to be disruptive. In summary, the available evidence is currently insufficient to determine the role of this variant in disease. Therefore, it has been classified as a Variant of Uncertain Significance.

NM_001127208.3(TET2):c.4096C>T (p.Arg1366Cys)

Genes: TET2 (tet methylcytosine dioxygenase 2; plus strand), TET2-AS1 (TET2 antisense RNA 1; minus strand). Cytogenetic location: 4q24.
Variant type: single nucleotide variant.
Coding change: c.4096C>T on transcript NM_001127208.3 (MANE Select); coding-DNA position 4096, C replaced by T.
Protein change: p.Arg1366Cys; replaces arginine 1366 with cysteine.
Molecular consequence: missense variant.
Genome position (GRCh38, 1-based): chr4:105,269,661, C>T. VCF-style: chr4-105269661-C-T. GRCh37 (hg19) VCF-style: chr4-106190818-C-T.
Other names: short protein forms R1366C.
Identifiers: ClinVar variation 2836826 (VCV002836826.3), dbSNP rs1730854163, ClinGen allele CA357809493.